The following is an entry in ClinVar:

NM_001386140.1(MTTP):c.2368A>G (p.Ile790Val)

Gene: MTTP (microsomal triglyceride transfer protein; plus strand). Cytogenetic location: 4q23.
Variant type: single nucleotide variant.
Coding change: c.2368A>G on transcript NM_001386140.1 (MANE Select); coding-DNA position 2368, A replaced by G.
Protein change: p.Ile790Val; replaces isoleucine 790 with valine.
Molecular consequence: missense variant.
Genome position (GRCh38, 1-based): chr4:99,621,086, A>G. VCF-style: chr4-99621086-A-G. GRCh37 (hg19) VCF-style: chr4-100542243-A-G.
Other names: c.2368A>G, p.Ile790Val (NM_000253.4); c.2119A>G, p.Ile707Val (NM_001300785.2); short protein forms I790V, I707V.
Identifiers: ClinVar variation 1510746 (VCV001510746.6), dbSNP rs2110238252, ClinGen allele CA357519429.

ClinVar aggregate classification (germline): Uncertain significance (1 of 4 stars; one submission).

Submission:

Labcorp Genetics (formerly Invitae), Labcorp
Classification: Uncertain significance. Last evaluated: 2021-08-06. Review status: criteria provided, single submitter. Criteria: Invitae Variant Classification Sherloc (09022015). Collection method: clinical testing. Allele origin: germline.
Comment: In summary, the available evidence is currently insufficient to determine the role of this variant in disease. Therefore, it has been classified as a Variant of Uncertain Significance. This sequence change replaces isoleucine with valine at codon 790 of the MTTP protein (p.Ile790Val). The isoleucine residue is weakly conserved and there is a small physicochemical difference between isoleucine and valine. Algorithms developed to predict the effect of missense changes on protein structure and function output the following: SIFT: "Tolerated"; PolyPhen-2: "Benign"; Align-GVGD: "Class C0". The valine amino acid residue is found in multiple mammalian species, which suggests that this missense change does not adversely affect protein function. This variant has not been reported in the literature in individuals affected with MTTP-related conditions. This variant is not present in population databases (ExAC no frequency).